The following is an entry in ClinVar:

ClinVar aggregate classification (germline): Conflicting classifications of pathogenicity. Review status: criteria provided, conflicting classifications (1 of 4 stars). 3 submissions from 3 submitters: Uncertain significance (1); Likely benign (2). Last evaluated 2025-08-25.

Conditions:
Developmental and epileptic encephalopathy, 14 (DEE14). Also called: Early infantile epileptic encephalopathy 14. Identifiers: Orphanet 293181, MedGen C3554195, MONDO:0013989, OMIM 614959.
Autosomal dominant nocturnal frontal lobe epilepsy 5. Also called: Epilepsy, nocturnal frontal lobe, 5; KCNT1-Related Epilepsy; CILIARY DYSKINESIA, PRIMARY, 28, WITHOUT SITUS INVERSUS; CILIARY DYSKINESIA, PRIMARY, 28, WITH SITUS INVERSUS. Identifiers: Orphanet 98784, MedGen C3554306, MONDO:0014002, OMIM 615005.
Inborn genetic diseases. Identifiers: MedGen C0950123, MeSH D030342.

Allele frequency attached by ClinVar (database versions not stated): TOPMed below 0.00001; gnomAD 0.00003; gnomAD exomes 0.00006 and 0.00008; ExAC 0.00009.
gnomAD v4.1: 83 of 1,603,940 alleles (0.0052%); highest among the groups gnomAD compares: South Asian, 0.078%; 2 homozygotes.

Submissions (3):

Ambry Genetics
Classification: Likely benign for Inborn genetic diseases. Last evaluated: 2025-08-25. Review status: criteria provided, single submitter. Criteria: Ambry Variant Classification Scheme 2023. Collection method: clinical testing. Allele origin: germline.

Labcorp Genetics (formerly Invitae), Labcorp
Classification: Uncertain significance for Autosomal dominant nocturnal frontal lobe epilepsy 5; Developmental and epileptic encephalopathy, 14. Last evaluated: 2025-07-30. Review status: criteria provided, single submitter. Criteria: Invitae Variant Classification Sherloc (09022015). Collection method: clinical testing. Allele origin: germline.
Comment: This sequence change affects codon 1196 of the KCNT1 mRNA. It is a 'silent' change, meaning that it does not change the encoded amino acid sequence of the KCNT1 protein. It affects a nucleotide within the consensus splice site. This variant is present in population databases (rs758308334, gnomAD 0.06%), and has an allele count higher than expected for a pathogenic variant. This variant has not been reported in the literature in individuals affected with KCNT1-related conditions. ClinVar contains an entry for this variant (Variation ID: 872154). Algorithms developed to predict the effect of sequence changes on RNA splicing suggest that this variant is not likely to affect RNA splicing. In summary, the available evidence is currently insufficient to determine the role of this variant in disease. Therefore, it has been classified as a Variant of Uncertain Significance.

CeGaT Center for Human Genetics Tuebingen
Classification: Likely benign. Last evaluated: 2024-07-01. Review status: criteria provided, single submitter. Criteria: CeGaT Center For Human Genetics Tuebingen Variant Classification Criteria Version 2. Collection method: clinical testing. Allele origin: germline. Affected: yes. Observed: 2 variant alleles.
Comment: KCNT1: BP4, BP7

NM_020822.3(KCNT1):c.3588C>T (p.Val1196=)

Gene: KCNT1 (potassium sodium-activated channel subfamily T member 1; plus strand). Cytogenetic location: 9q34.3.
Variant type: single nucleotide variant.
Coding change: c.3588C>T on transcript NM_020822.3 (MANE Select); coding-DNA position 3588, C replaced by T.
Protein change: p.Val1196=; no amino-acid change (valine 1196 retained).
Molecular consequence: synonymous variant.
Genome position (GRCh38, 1-based): chr9:135,792,041, C>T. VCF-style: chr9-135792041-C-T. GRCh37 (hg19) VCF-style: chr9-138683887-C-T.
Other names: c.3516C>T, p.Val1172= (NM_001272003.2).
Identifiers: ClinVar variation 872154 (VCV000872154.49), dbSNP rs758308334, ClinGen allele CA5327990.